The following is an entry in ClinVar:

ClinVar aggregate classification (germline): Conflicting classifications of pathogenicity. Review status: criteria provided, conflicting classifications (1 of 4 stars). 3 submissions from 3 submitters: Uncertain significance (1); Likely benign (2). Last evaluated 2024-02-06.

Conditions:
Inborn genetic diseases. Identifiers: MedGen C0950123, MeSH D030342.

Allele frequency attached by ClinVar (database versions not stated): gnomAD 0.00001; gnomAD exomes 0.00001; TOPMed 0.00002; ExAC 0.00003.
gnomAD v4.1: 12 of 1,614,080 alleles (0.00074%); highest among the groups gnomAD compares: East Asian, 0.0067%; no homozygotes.

Submissions (3):

Labcorp Genetics (formerly Invitae), Labcorp
Classification: Uncertain significance. Last evaluated: 2024-02-06. Review status: criteria provided, single submitter. Criteria: Invitae Variant Classification Sherloc (09022015). Collection method: clinical testing. Allele origin: germline.
Comment: This sequence change replaces proline, which is neutral and non-polar, with leucine, which is neutral and non-polar, at codon 544 of the ARID1B protein (p.Pro544Leu). This variant is present in population databases (rs779142775, gnomAD 0.005%). This variant has not been reported in the literature in individuals affected with ARID1B-related conditions. ClinVar contains an entry for this variant (Variation ID: 2178772). Advanced modeling of protein sequence and biophysical properties (such as structural, functional, and spatial information, amino acid conservation, physicochemical variation, residue mobility, and thermodynamic stability) has been performed at Invitae for this missense variant, however the output from this modeling did not meet the statistical confidence thresholds required to predict the impact of this variant on ARID1B protein function. In summary, the available evidence is currently insufficient to determine the role of this variant in disease. Therefore, it has been classified as a Variant of Uncertain Significance.

Ambry Genetics
Classification: Likely benign for Inborn genetic diseases. Last evaluated: 2023-11-03. Review status: criteria provided, single submitter. Criteria: Ambry Variant Classification Scheme 2023. Collection method: clinical testing. Allele origin: germline.

Blueprint Genetics
Classification: Likely benign. Last evaluated: 2023-04-11. Review status: criteria provided, single submitter. Criteria: ACMG Guidelines, 2015. Collection method: clinical testing. Allele origin: germline.

NM_001374828.1(ARID1B):c.1880C>T (p.Pro627Leu)

Gene: ARID1B (AT-rich interaction domain 1B; plus strand). Cytogenetic location: 6q25.3.
Variant type: single nucleotide variant.
Coding change: c.1880C>T on transcript NM_001374828.1 (MANE Select); coding-DNA position 1880, C replaced by T.
Protein change: p.Pro627Leu; replaces proline 627 with leucine.
Molecular consequence: missense variant.
Genome position (GRCh38, 1-based): chr6:156,829,315, C>T. VCF-style: chr6-156829315-C-T. GRCh37 (hg19) VCF-style: chr6-157150449-C-T.
Other names: c.1631C>T, p.Pro544Leu (NM_001346813.1, NM_020732.3); c.1880C>T, p.Pro627Leu (NM_001371656.1, NM_001374820.1, NM_017519.3); c.1457C>T, p.Pro486Leu (NM_175863.2); short protein forms P544L, P486L, P627L.
Identifiers: ClinVar variation 2178772 (VCV002178772.6), dbSNP rs779142775, ClinGen allele CA4066835.